The following is an entry in ClinVar:

ClinVar aggregate classification (germline): Pathogenic/Likely pathogenic. Review status: criteria provided, multiple submitters, no conflicts (2 of 4 stars). 2 submissions from 2 submitters: Pathogenic (1); Likely pathogenic (1). Last evaluated 2024-01-05.

Conditions:
Mucolipidosis type IV (ML4). Also called: ML IV. Identifiers: Orphanet 578, MedGen C0238286, MONDO:0009653, OMIM 252650.
Lisch epithelial corneal dystrophy (LECD). Also called: BAND-SHAPED AND WHORLED MICROCYSTIC CORNEAL EPITHELIAL DYSTROPHY. Identifiers: Orphanet 98955, MedGen C2749050, MONDO:0010425, OMIM 620763.

Allele frequency attached by ClinVar (database versions not stated): gnomAD exomes below 0.00001 and 0.00001; TOPMed below 0.00001.

Submissions (2):

Fulgent Genetics
Classification: Likely pathogenic for Mucolipidosis type IV; Lisch epithelial corneal dystrophy. Last evaluated: 2024-01-05. Review status: criteria provided, single submitter. Criteria: ACMG Guidelines, 2015. Collection method: clinical testing. Allele origin: germline.

Labcorp Genetics (formerly Invitae), Labcorp
Classification: Pathogenic for Mucolipidosis type IV. Last evaluated: 2022-07-14. Review status: criteria provided, single submitter. Criteria: Invitae Variant Classification Sherloc (09022015). Collection method: clinical testing. Allele origin: germline.
Comment: ClinVar contains an entry for this variant (Variation ID: 1074644). This sequence change creates a premature translational stop signal (p.Gln167*) in the MCOLN1 gene. It is expected to result in an absent or disrupted protein product. Loss-of-function variants in MCOLN1 are known to be pathogenic (PMID: 11030752, 11317355). This variant is present in population databases (no rsID available, gnomAD 0.0009%). This variant has not been reported in the literature in individuals affected with MCOLN1-related conditions. For these reasons, this variant has been classified as Pathogenic.

Literature cited by the submitters: PubMed 11030752 (cited by Labcorp Genetics (formerly Invitae), Labcorp); PubMed 11317355 (cited by Labcorp Genetics (formerly Invitae), Labcorp).

NM_020533.3(MCOLN1):c.499C>T (p.Gln167Ter)

Gene: MCOLN1 (mucolipin TRP cation channel 1; plus strand). Cytogenetic location: 19p13.2.
Variant type: single nucleotide variant.
Coding change: c.499C>T on transcript NM_020533.3 (MANE Select); coding-DNA position 499, C replaced by T.
Protein change: p.Gln167Ter; replaces glutamine 167 with a stop codon.
Molecular consequence: nonsense.
Genome position (GRCh38, 1-based): chr19:7,526,854, C>T. VCF-style: chr19-7526854-C-T. GRCh37 (hg19) VCF-style: chr19-7591740-C-T.
Other names: short protein forms Q167*.
Identifiers: ClinVar variation 1074644 (VCV001074644.9), dbSNP rs1056159821, ClinGen allele CA304852895.